The following is an entry in ClinVar:

ClinVar aggregate classification (germline): Uncertain significance (1 of 4 stars; one submission).

Conditions:
Epileptic encephalopathy. Identifiers: MedGen C0543888, HP:0200134.

Submission:

Labcorp Genetics (formerly Invitae), Labcorp
Classification: Uncertain significance for Epileptic encephalopathy. Last evaluated: 2019-07-09. Review status: criteria provided, single submitter. Criteria: Invitae Variant Classification Sherloc (09022015). Collection method: clinical testing. Allele origin: germline.
Comment: This sequence change replaces asparagine with serine at codon 189 of the FASN protein (p.Asn189Ser). The asparagine residue is moderately conserved and there is a small physicochemical difference between asparagine and serine. The frequency data for this variant in the population databases is considered unreliable, as metrics indicate poor data quality at this position in the ExAC database. This variant has not been reported in the literature in individuals with FASN-related conditions. Algorithms developed to predict the effect of missense changes on protein structure and function are either unavailable or do not agree on the potential impact of this missense change (SIFT: "Deleterious"; PolyPhen-2: "Benign"; Align-GVGD: "Class C0"). In summary, the available evidence is currently insufficient to determine the role of this variant in disease. Therefore, it has been classified as a Variant of Uncertain Significance.

NM_004104.5(FASN):c.566_567delinsGC (p.Asn189Ser)

Gene: FASN (fatty acid synthase; minus strand). Cytogenetic location: 17q25.3.
Variant type: Indel.
Coding change: c.566_567delinsGC on transcript NM_004104.5 (MANE Select); coding-DNA positions 566 to 567, AT replaced by GC.
Protein change: p.Asn189Ser; replaces asparagine 189 with serine.
Molecular consequence: missense variant.
Genome position (GRCh38, 1-based): chr17:82,093,307-82,093,308, AT replaced by GC on the plus strand (AT replaced by GC on the coding strand, the reverse complement: FASN is on the minus strand). VCF-style: chr17-82093307-AT-GC. GRCh37 (hg19) VCF-style: chr17-80051183-AT-GC.
Other names: short protein forms N189S.
Identifiers: ClinVar variation 957565 (VCV000957565.8), dbSNP rs2034246362, ClinGen allele CA1139665937.
Genomic context (GRCh38, chr17:82,093,307, plus strand): 5'-CTCGGGGCTGAGCATCCCCAGCCTCAAGAACTGCACGGAGGTGTTGGGCTTCAGCAGGAC[AT>GC]TGATGCCCCCCACGATGGCGGCAGGGCACTGCCCGCTGTGGATGGCCTGGTAGGCGTTCT-3'
Protein context (NP_004095.4, residues 179-199): QCPAAIVGGI[Asn189Ser]VLLKPNTSVQ